The following is an entry in ClinVar:

ClinVar aggregate classification (germline): Pathogenic. Review status: reviewed by expert panel (3 of 4 stars). 2 submissions from 2 submitters: Pathogenic (1). 1 of the submissions does not count toward it. Last evaluated 2016-10-18.

Conditions:
Breast-ovarian cancer, familial, susceptibility to, 1 (BROVCA1). Also called: BRCA1 Hereditary Breast and Ovarian Cancer; OVARIAN CANCER, SUSCEPTIBILITY TO. Identifiers: Orphanet 145, MedGen C2676676, MONDO:0011450, OMIM 604370. Disease mechanism: loss of function.

Submissions (2):

Evidence-based Network for the Interpretation of Germline Mutant Alleles (ENIGMA)
Classification: Pathogenic for Breast-ovarian cancer, familial, susceptibility to, 1. Last evaluated: 2016-10-18. Review status: reviewed by expert panel. Criteria: ENIGMA BRCA1/2 Classification Criteria (2015). Collection method: curation. Allele origin: germline.
Comment: Variant allele predicted to encode a truncated non-functional protein.

Consortium of Investigators of Modifiers of BRCA1/2 (CIMBA), c/o University of Cambridge
Classification: Pathogenic for Breast-ovarian cancer, familial, susceptibility to, 1. Last evaluated: 2015-10-02. Review status: criteria provided, single submitter. Criteria: CIMBA Mutation Classification guidelines May 2016. Collection method: clinical testing. Allele origin: germline. Not counted in ClinVar's aggregate classification.

NM_007294.4(BRCA1):c.3765del (p.Asn1255fs)

Genes: BRCA1 (BRCA1 DNA repair associated; minus strand), LOC126862571 (BRD4-independent group 4 enhancer GRCh37_chr17:41243136-41244335; plus strand). Cytogenetic location: 17q21.31.
Variant type: Deletion.
Coding change: c.3765del on transcript NM_007294.4 (MANE Select); coding-DNA position 3765, one base deleted (C; older notation c.3765delC).
Protein change: p.Asn1255fs; shifts the reading frame from asparagine 1255.
Molecular consequence: frameshift variant. On other transcripts: intron variant (135).
Genome position (GRCh38, 1-based): chr17:43,091,766, G deleted on the plus strand (C on the coding strand, the reverse complement: BRCA1 is on the minus strand). VCF-style (leftmost placement, unchanged base first): chr17-43091765-TG-T. GRCh37 (hg19) VCF-style: chr17-41243782-TG-T.
Other names: 3884DELC; c.3687del, p.Asn1229fs (NM_001407655.1, NM_001407656.1, NM_001407657.1 and 4 more transcripts); c.3684del, p.Asn1228fs (NM_001407659.1, NM_001407660.1, NM_001407661.1 and 1 more transcripts); c.3642del, p.Asn1214fs (NM_001407664.1, NM_001407665.1, NM_001407666.1 and 19 more transcripts); c.3639del, p.Asn1213fs (NM_001407670.1, NM_001407671.1, NM_001407672.1 and 11 more transcripts); c.3765del, p.Asn1255fs (NM_001407684.1, NM_001407854.1, NM_001407858.1 and 30 more transcripts); c.3624del, p.Asn1208fs (NM_001407692.1, NM_001407694.1, NM_001407695.1 and 29 more transcripts); c.3621del, p.Asn1207fs (NM_001407740.1, NM_001407741.1, NM_001407742.1 and 20 more transcripts); and 43 more; short protein forms N1255fs, N1208fs, N1087fs, N1127fs, N1187fs, N1207fs, N1252fs, N1128fs.
Identifiers: ClinVar variation 266405 (VCV000266405.6), dbSNP rs886040165, ClinGen allele CA10589724.